The following is an entry in ClinVar:

ClinVar aggregate classification (germline): Uncertain significance (1 of 4 stars; one submission).

Conditions:
Hereditary cancer-predisposing syndrome. Also called: Neoplastic Syndromes, Hereditary; Tumor predisposition; Hereditary Cancer Syndrome; Hereditary neoplastic syndrome. Identifiers: Orphanet 140162, MedGen C0027672, MeSH D009386, MONDO:0015356.

Submission:

Ambry Genetics
Classification: Uncertain significance for Hereditary cancer-predisposing syndrome. Last evaluated: 2021-09-03. Review status: criteria provided, single submitter. Criteria: Ambry Variant Classification Scheme 2023. Collection method: clinical testing. Allele origin: germline.
Comment: The p.M222I variant (also known as c.666G>A), located in coding exon 4 of the FLCN gene, results from a G to A substitution at nucleotide position 666. The methionine at codon 222 is replaced by isoleucine, an amino acid with highly similar properties. This amino acid position is highly conserved in available vertebrate species. In addition, this alteration is predicted to be tolerated by in silico analysis. Since supporting evidence is limited at this time, the clinical significance of this alteration remains unclear.

NM_144997.7(FLCN):c.666G>A (p.Met222Ile)

Gene: FLCN (folliculin; minus strand). Cytogenetic location: 17p11.2.
Variant type: single nucleotide variant.
Coding change: c.666G>A on transcript NM_144997.7 (MANE Select); coding-DNA position 666, G replaced by A.
Protein change: p.Met222Ile; replaces methionine 222 with isoleucine.
Molecular consequence: missense variant.
Genome position (GRCh38, 1-based): chr17:17,222,614, C>T on the plus strand (G>A on the coding strand, the complement: FLCN is on the minus strand). VCF-style: chr17-17222614-C-T. GRCh37 (hg19) VCF-style: chr17-17125928-C-T.
Other names: c.720G>A, p.Met240Ile (NM_001353229.2); c.666G>A, p.Met222Ile (NM_001353230.2, NM_001353231.2, NM_144606.7); short protein forms M222I, M240I.
Identifiers: ClinVar variation 1754790 (VCV001754790.2), dbSNP rs2544234753, ClinGen allele CA398534049.
Genomic context (GRCh38, chr17:17,222,614, plus strand): 5'-TGTCAGCGAGCGGGCGGCGTTGCCGTTCCTCTGGTGTAGGAATGGCGTGAAGGCTGTGTT[C>T]ATCCTCTGAGCACGCTGTGGGCATCCAAACTGCTCTGCCTCAAACACCTGAAATGCAAAG-3'
Protein context (NP_659434.2, residues 212-232): QFGCPQRAQR[Met222Ile]NTAFTPFLHQ